The following is an entry in ClinVar:

ClinVar aggregate classification (germline): Pathogenic. Review status: criteria provided, multiple submitters, no conflicts (2 of 4 stars). 4 submissions from 4 submitters: Pathogenic (3). 1 of the submissions does not count toward it. Last evaluated 2025-07-18.

Conditions:
PKD1-related disorder. Also called: PKD1-related condition.
Polycystic kidney disease, adult type (PKD1). Also called: Polycystic Kidney, Autosomal Dominant; Polycystic Kidney Disease 1, Autosomal Dominant; Polycystic kidney disease 1; Polycystic kidney disease 1, severe; POLYCYSTIC KIDNEY DISEASE, ADULT, TYPE I; POLYCYSTIC KIDNEY DISEASE 1 WITH OR WITHOUT POLYCYSTIC LIVER DISEASE. Identifiers: MedGen C3149841, MONDO:0008263, OMIM 173900.

Submissions (4):

PreventionGenetics, part of Exact Sciences
Classification: Pathogenic for PKD1-related condition. Last evaluated: 2025-07-18. Review status: criteria provided, single submitter. Criteria: ACMG Guidelines, 2015. Collection method: clinical testing. Allele origin: germline.
Comment: The PKD1 c.8698C>T variant is predicted to result in premature protein termination (p.Gln2900*). This variant was reported in individuals with polycystic kidney disease (reported as 8692C>T in Table 2, Roelfsema et al. 1997. PubMed ID: 9345095; Shi et al. 2020. PubMed ID: 33111320). This variant has not been reported in a large population database, indicating this variant is rare. Nonsense variants in PKD1 are expected to be pathogenic. This variant is interpreted as pathogenic.

Fulgent Genetics
Classification: Pathogenic for Polycystic kidney disease, adult type. Last evaluated: 2021-10-08. Review status: criteria provided, single submitter. Criteria: ACMG Guidelines, 2015. Collection method: clinical testing. Allele origin: unknown.

Athena Diagnostics
Classification: Pathogenic. Last evaluated: 2021-09-07. Review status: criteria provided, single submitter. Criteria: Athena Diagnostics Criteria. Collection method: clinical testing. Allele origin: unknown.
Comment: This variant is expected to result in the loss of a functional protein. This variant has not been reported in large, multi-ethnic general populations.

Gharavi Laboratory, Columbia University
Classification: Pathogenic. Last evaluated: 2018-09-16. Review status: no assertion criteria provided. Criteria: ACMG Guidelines, 2015. Collection method: research. Allele origin: germline. Affected: yes. Not counted in ClinVar's aggregate classification.

Literature cited by the submitters: PubMed 25525159 (cited by Athena Diagnostics); PubMed 33111320 (cited by Athena Diagnostics).

NM_001009944.3(PKD1):c.8698C>T (p.Gln2900Ter)

Gene: PKD1 (polycystin 1, transient receptor potential channel interacting; minus strand). Cytogenetic location: 16p13.3.
Variant type: single nucleotide variant.
Coding change: c.8698C>T on transcript NM_001009944.3 (MANE Select); coding-DNA position 8698, C replaced by T.
Protein change: p.Gln2900Ter; replaces glutamine 2900 with a stop codon.
Molecular consequence: nonsense.
Genome position (GRCh38, 1-based): chr16:2,103,359, G>A on the plus strand (C>T on the coding strand, the complement: PKD1 is on the minus strand). VCF-style: chr16-2103359-G-A. GRCh37 (hg19) VCF-style: chr16-2153360-G-A.
Other names: c.8698C>T (NM_001009944.2); c.8698C>T, p.Gln2900Ter (NM_000296.4); short protein forms Q2900*.
Identifiers: ClinVar variation 562271 (VCV000562271.4), dbSNP rs1567176750, ClinGen allele CA394362355.
Genomic context (GRCh38, chr16:2,103,359, plus strand): 5'-GCCCGGCCGCAGGGTTGCTGCTGTCCAGGGTGACCACAGCACCGACGGAGGCCTGGGGCT[G>A]GACCACAACGGAGTTGGCGGAGTTGGCGGAGCTGCGGTGGCCCCGGGCAGCCCAGTCCGA-3'